The following is an entry in ClinVar:

ClinVar aggregate classification (germline): Benign/Likely benign. Review status: criteria provided, multiple submitters, no conflicts (2 of 4 stars). 2 submissions from 2 submitters: Benign (1); Likely benign (1). Last evaluated 2024-10-26.

Submissions (2):

Labcorp Genetics (formerly Invitae), Labcorp
Classification: Benign. Last evaluated: 2024-10-26. Review status: criteria provided, single submitter. Criteria: Invitae Variant Classification Sherloc (09022015). Collection method: clinical testing. Allele origin: germline.

GeneDx
Classification: Likely benign. Last evaluated: 2017-04-24. Review status: criteria provided, single submitter. Criteria: GeneDx Variant Classification (06012015). Collection method: clinical testing. Allele origin: germline. Affected: yes.
Comment: This variant is considered likely benign or benign based on one or more of the following criteria: it is a conservative change, it occurs at a poorly conserved position in the protein, it is predicted to be benign by multiple in silico algorithms, and/or has population frequency not consistent with disease.

NM_018060.4(IARS2):c.2897-5dup

Gene: IARS2 (isoleucyl-tRNA synthetase 2, mitochondrial; plus strand). Cytogenetic location: 1q41.
Variant type: Duplication.
Coding change: c.2897-5dup on transcript NM_018060.4 (MANE Select); 5 bases into the intron before coding-DNA position 2897, one base duplicated (T; older notation c.2897-5dupT).
Molecular consequence: intron variant.
Genome position (GRCh38, 1-based): chr1:220,147,488, T duplicated; the last of 7 consecutive T bases (chr1:220,147,482-220,147,488); duplicating any one gives the same sequence. VCF-style (leftmost placement, unchanged base first): chr1-220147481-A-AT. GRCh37 (hg19) VCF-style: chr1-220320823-A-AT.
Other names: c.2897-5dupT (NM_018060.3).
Identifiers: ClinVar variation 508843 (VCV000508843.5), dbSNP rs781485617, ClinGen allele CA1401885.
Genomic context (GRCh38, chr1:220,147,481, plus strand): 5'-GCTAAACCAATTAAGAAACAGTGTTACAAGTTGAATGCCTATCAGAAATACTCTTCATGT[A>AT]TTTTTTTATAGGTGGTGATATTCGTGAAGAGTCTTCCTATAAAGTAATTGTCATGCCGAC-3'